The following is an entry in ClinVar:

GRCh37/hg19 3p24.1(chr3:30729876-30730003)

Gene: TGFBR2 (transforming growth factor beta receptor 2; plus strand). Cytogenetic location: 3p24.1.
Variant type: copy number loss.
Identifiers: ClinVar variation 1325472 (VCV001325472.2).

ClinVar aggregate classification (germline): Uncertain significance (1 of 4 stars; one submission).

Conditions:
Loeys-Dietz syndrome 2 (LDS2). Also called: Marfan Syndrome type 2; Marfan like connective tissue disorder; MFS 2; AORTIC ANEURYSM, FAMILIAL THORACIC 3; MARFAN SYNDROME, TYPE II; TGFBR2-Related Loeys-Dietz Syndrome. Identifiers: Orphanet 284973, Orphanet 558, MedGen C2674574, MONDO:0012427, OMIM 610168.

Submission:

Centre of Medical Genetics, University of Antwerp
Classification: Uncertain significance for Loeys-Dietz syndrome 2. Last evaluated: 2021-03-01. Review status: criteria provided, single submitter. Criteria: ACMG Guidelines, 2015. Collection method: research. Allele origin: unknown. Affected: yes.
Comment: PM2, PP4